The following is an entry in ClinVar:

NM_005337.5(NCKAP1L):c.2869T>G (p.Leu957Val)

Gene: NCKAP1L (NCK associated protein 1 like; plus strand). Cytogenetic location: 12q13.2.
Variant type: single nucleotide variant.
Coding change: c.2869T>G on transcript NM_005337.5 (MANE Select); coding-DNA position 2869, T replaced by G.
Protein change: p.Leu957Val; replaces leucine 957 with valine.
Molecular consequence: missense variant.
Genome position (GRCh38, 1-based): chr12:54,535,110, T>G. VCF-style: chr12-54535110-T-G. GRCh37 (hg19) VCF-style: chr12-54928894-T-G.
Other names: c.2719T>G, p.Leu907Val (NM_001184976.2); short protein forms L907V, L957V.
Identifiers: ClinVar variation 2046795 (VCV002046795.3), dbSNP rs143136512, ClinGen allele CA6609576.
Genomic context (GRCh38, chr12:54,535,110, plus strand): 5'-TCAAGCCATTGTGTCCTGCGAATCCTCTCTAGAATGTTATTTTCTTCTCTCCAGGTGACC[T>G]TGAGTATCTTTGAGCTGGCATCTGCTGCAGGTGTGGGCTGTGACATTGACCCAGCCTTGG-3'
Protein context (NP_005328.2, residues 947-967): VTPDTDIKVT[Leu957Val]SIFELASAAG

ClinVar aggregate classification (germline): Uncertain significance. Review status: criteria provided, multiple submitters, no conflicts (2 of 4 stars). 2 submissions from 2 submitters: Uncertain significance (2). Last evaluated 2026-06-09.

Allele frequency attached by ClinVar (database versions not stated): ESP Exome Variant Server 0.00038.
gnomAD v4.1: 999 of 1,613,256 alleles (0.062%); highest among the groups gnomAD compares: Non-Finnish European, 0.075%; 1 homozygote.

Submissions (3):

Women's Health and Genetics/Laboratory Corporation of America, LabCorp
Classification: Uncertain significance. Last evaluated: 2026-06-09. Review status: criteria provided, single submitter. Criteria: LabCorp Variant Classification Summary - May 2015. Collection method: clinical testing. Allele origin: germline.
Comment: Variant summary: NCKAP1L c.2869T>G (p.Leu957Val) results in a conservative amino acid change in the encoded protein sequence. Algorithms developed to predict the effect of missense changes on protein structure and function are either unavailable or do not agree on the potential impact of this missense change. The variant allele was found at a frequency of 0.00044 in 250546 control chromosomes. This frequency is not significantly higher than estimated for disease-causing variants in NCKAP1L, allowing no conclusion about variant significance. To our knowledge, no occurrence of c.2869T>G in individuals affected with NCKAP1L-related conditions and no experimental evidence demonstrating its impact on protein function have been reported. ClinVar contains an entry for this variant (Variation ID: 2046795). Based on the evidence outlined above, the variant was classified as uncertain significance.

Labcorp Genetics (formerly Invitae), Labcorp
Classification: Uncertain significance. Last evaluated: 2022-08-23. Review status: criteria provided, single submitter. Criteria: Invitae Variant Classification Sherloc (09022015). Collection method: clinical testing. Allele origin: germline.
Comment: This sequence change replaces leucine, which is neutral and non-polar, with valine, which is neutral and non-polar, at codon 957 of the NCKAP1L protein (p.Leu957Val). This variant is present in population databases (rs143136512, gnomAD 0.07%), and has an allele count higher than expected for a pathogenic variant. This variant has not been reported in the literature in individuals affected with NCKAP1L-related conditions. Algorithms developed to predict the effect of missense changes on protein structure and function are either unavailable or do not agree on the potential impact of this missense change (SIFT: "Deleterious"; PolyPhen-2: "Benign"; Align-GVGD: "Class C0"). In summary, the available evidence is currently insufficient to determine the role of this variant in disease. Therefore, it has been classified as a Variant of Uncertain Significance.

Dr. Peter K. Rogan Lab, Western University
No classification provided (evidence only). Condition: Thyroid cancer, nonmedullary, 1. Review status: no classification provided. Collection method: in vitro. Allele origin: not applicable. Functional consequence: retained intron. Not counted in ClinVar's aggregate classification.